The following is an entry in ClinVar:

ClinVar aggregate classification (germline): Uncertain significance (1 of 4 stars; one submission).

Conditions:
Catecholaminergic polymorphic ventricular tachycardia 1. Also called: VENTRICULAR TACHYCARDIA, CATECHOLAMINERGIC POLYMORPHIC, 1, WITH OR WITHOUT ATRIAL DYSFUNCTION AND/OR DILATED CARDIOMYOPATHY; VENTRICULAR TACHYCARDIA, STRESS-INDUCED POLYMORPHIC 1; RYR2-Related Catecholaminergic Polymorphic Ventricular Tachycardia. Identifiers: Orphanet 3286, MedGen C1631597, MONDO:0011484, OMIM 604772.

Allele frequency attached by ClinVar (database versions not stated): TOPMed below 0.00001.
gnomAD v4.1: 23 of 1,610,140 alleles (0.0014%); highest among the groups gnomAD compares: Non-Finnish European, 0.0019%; no homozygotes.

Submission:

Labcorp Genetics (formerly Invitae), Labcorp
Classification: Uncertain significance for Catecholaminergic polymorphic ventricular tachycardia 1. Last evaluated: 2018-08-30. Review status: criteria provided, single submitter. Criteria: Invitae Variant Classification Sherloc (09022015). Collection method: clinical testing. Allele origin: germline.
Comment: This sequence change falls in intron 7 of the CASQ2 gene. It does not directly change the encoded amino acid sequence of the CASQ2 protein, but it affects a nucleotide within the consensus splice site of the intron. This variant is not present in population databases (ExAC no frequency). This variant has not been reported in the literature in individuals with CASQ2-related disease. Nucleotide substitutions within the consensus splice site are a relatively common cause of aberrant splicing (PMID: 17576681, 9536098). Algorithms developed to predict the effect of sequence changes on RNA splicing suggest that this variant may disrupt the consensus splice site, but this prediction has not been confirmed by published transcriptional studies. In summary, the available evidence is currently insufficient to determine the role of this variant in disease. Therefore, it has been classified as a Variant of Uncertain Significance.

Literature cited by the submitters: PubMed 17576681; PubMed 9536098.

NM_001232.4(CASQ2):c.783+3A>G

Gene: CASQ2 (calsequestrin 2; minus strand). Cytogenetic location: 1p13.1.
Variant type: single nucleotide variant.
Coding change: c.783+3A>G on transcript NM_001232.4 (MANE Select); 3 bases into the intron after coding-DNA position 783, A replaced by G.
Molecular consequence: intron variant.
Genome position (GRCh38, 1-based): chr1:115,725,505, T>C on the plus strand (A>G on the coding strand, the complement: CASQ2 is on the minus strand). VCF-style: chr1-115725505-T-C. GRCh37 (hg19) VCF-style: chr1-116268126-T-C.
Identifiers: ClinVar variation 665918 (VCV000665918.5), dbSNP rs876657751, ClinGen allele CA915941393.